The following is an entry in ClinVar:

NM_032119.4(ADGRV1):c.12595G>C (p.Gly4199Arg)

Gene: ADGRV1 (adhesion G protein-coupled receptor V1; plus strand). Cytogenetic location: 5q14.3.
Variant type: single nucleotide variant.
Coding change: c.12595G>C on transcript NM_032119.4 (MANE Select); coding-DNA position 12595, G replaced by C.
Protein change: p.Gly4199Arg; replaces glycine 4199 with arginine.
Molecular consequence: missense variant. On other transcripts: non-coding transcript variant (1).
Genome position (GRCh38, 1-based): chr5:90,777,972, G>C. VCF-style: chr5-90777972-G-C. GRCh37 (hg19) VCF-style: chr5-90073789-G-C.
Other names: short protein forms G4199R.
Identifiers: ClinVar variation 1044384 (VCV001044384.8), dbSNP rs267600733, ClinGen allele CA360387283.

ClinVar aggregate classification (germline): Uncertain significance (1 of 4 stars; one submission).

Allele frequency attached by ClinVar (database versions not stated): gnomAD exomes below 0.00001; gnomAD 0.00001; TOPMed 0.00001.
gnomAD v4.1: 3 of 1,609,902 alleles (0.00019%); highest among the groups gnomAD compares: Non-Finnish European, 0.00025%; no homozygotes.

Submission:

Labcorp Genetics (formerly Invitae), Labcorp
Classification: Uncertain significance. Last evaluated: 2022-11-15. Review status: criteria provided, single submitter. Criteria: Invitae Variant Classification Sherloc (09022015). Collection method: clinical testing. Allele origin: germline.
Comment: In summary, the available evidence is currently insufficient to determine the role of this variant in disease. Therefore, it has been classified as a Variant of Uncertain Significance. Advanced modeling of protein sequence and biophysical properties (such as structural, functional, and spatial information, amino acid conservation, physicochemical variation, residue mobility, and thermodynamic stability) performed at Invitae indicates that this missense variant is not expected to disrupt ADGRV1 protein function. ClinVar contains an entry for this variant (Variation ID: 1044384). This variant has not been reported in the literature in individuals affected with ADGRV1-related conditions. This variant is not present in population databases (gnomAD no frequency). This sequence change replaces glycine, which is neutral and non-polar, with arginine, which is basic and polar, at codon 4199 of the ADGRV1 protein (p.Gly4199Arg).